The following is an entry in ClinVar:

ClinVar aggregate classification (germline): Likely benign (1 of 4 stars; one submission).

Allele frequency attached by ClinVar (database versions not stated): ExAC 0.00004; gnomAD 0.00029.

Submission:

CeGaT Center for Human Genetics Tuebingen
Classification: Likely benign. Last evaluated: 2026-01-01. Review status: criteria provided, single submitter. Criteria: CeGaT Center For Human Genetics Tuebingen Variant Classification Criteria Version 2. Collection method: clinical testing. Allele origin: germline. Affected: yes. Observed: 3 variant alleles.
Comment: PRDM9: BP4, BP7

NM_020227.4(PRDM9):c.2043T>A (p.Thr681=)

Gene: PRDM9 (PR/SET domain 9; plus strand). Cytogenetic location: 5p14.2.
Variant type: single nucleotide variant.
Coding change: c.2043T>A on transcript NM_020227.4 (MANE Select); coding-DNA position 2043, T replaced by A.
Protein change: p.Thr681=; no amino-acid change (threonine 681 retained).
Molecular consequence: synonymous variant. On other transcripts: missense variant (1).
Genome position (GRCh38, 1-based): chr5:23,527,131, T>A. VCF-style: chr5-23527131-T-A. GRCh37 (hg19) VCF-style: chr5-23527240-T-A.
Other names: c.2043T>A, p.Ser681Arg (NM_001310214.3); c.2043T>A, p.Thr681= (NM_001376900.1); short protein forms S681R.
Identifiers: ClinVar variation 2655373 (VCV002655373.24), dbSNP rs200743042, ClinGen allele CA3215010.